The following is an entry in ClinVar:

ClinVar aggregate classification (germline): Likely pathogenic. Review status: criteria provided, single submitter (1 of 4 stars). 2 submissions from 2 submitters: Likely pathogenic (1). 1 of the submissions does not count toward it. Last evaluated 2016-03-16.

Conditions:
Seizures, benign familial neonatal, 2. Also called: CONVULSIONS, BENIGN FAMILIAL NEONATAL, 2; KCNQ3-Related Self-Limited Familial Neonatal Epilepsy (SLFNE); Benign Neonatal Epilepsy 2; KCNQ3-Related Benign Familial Neonatal Epilepsy; Seizures, benign neonatal, 2. Identifiers: Orphanet 1949, MedGen C1852581, MONDO:0007366, OMIM 121201.

Submissions (2):

GeneDx
Classification: Likely pathogenic. Last evaluated: 2016-03-16. Review status: criteria provided, single submitter. Criteria: GeneDx Variant Classification (06012015). Collection method: clinical testing. Allele origin: germline. Affected: yes.
Comment: A novel W308S variant that is likely pathogenic has been identified in the KCNQ3 gene. The W308S variant has not been published as a pathogenic variant, nor has it been reported as a benign variant to our knowledge. It was not observed in approximately 6,500 individuals of European and African American ancestry in the NHLBI Exome Sequencing Project, indicating it is not a common benign variant in these populations. The W308S variant is a non-conservative amino acid substitution, which is likely to impact secondary protein structure as these residues differ in polarity, charge, size and/or other properties. Additionally, this substitution occurs at a position that is conserved across species, and in silico analysis predicts this variant is probably damaging to the protein structure/function. Furthermore, missense variants in nearby residues (D305G, W309R, G310V) have been reported in the Human Gene Mutation Database in association with KCNQ3-related disorders (Stenson et al., 2014), supporting the functional importance of this region of the protein. Therefore, this variant is likely pathogenic; however, the possibility that it is benign cannot be excluded.

GeneReviews
No classification provided. Condition: Seizures, benign familial neonatal, 2. Review status: no classification provided. Collection method: literature only. Allele origin: germline. Not counted in ClinVar's aggregate classification.

Literature cited by the submitters: NCBI Bookshelf NBK201978 (cited by GeneReviews); PubMed 27888506 (cited by GeneReviews).

NM_004519.4(KCNQ3):c.923G>C (p.Trp308Ser)

Gene: KCNQ3 (potassium voltage-gated channel subfamily Q member 3; minus strand). Cytogenetic location: 8q24.22.
Variant type: single nucleotide variant.
Coding change: c.923G>C on transcript NM_004519.4 (MANE Select); coding-DNA position 923, G replaced by C.
Protein change: p.Trp308Ser; replaces tryptophan 308 with serine.
Molecular consequence: missense variant.
Genome position (GRCh38, 1-based): chr8:132,175,463, C>G on the plus strand (G>C on the coding strand, the complement: KCNQ3 is on the minus strand). VCF-style: chr8-132175463-C-G. GRCh37 (hg19) VCF-style: chr8-133187710-C-G.
Other names: c.563G>C, p.Trp188Ser (NM_001204824.2); short protein forms W188S, W308S.
Identifiers: ClinVar variation 420680 (VCV000420680.4), dbSNP rs1064794632, ClinGen allele CA16618600.